The following is an entry in ClinVar:

ClinVar aggregate classification (germline): Uncertain significance (1 of 4 stars; one submission).

Conditions:
Neuropathy, hereditary sensory, type 2C. Also called: KIF1A-Related HSAN2 (HSAN2C); Hereditary sensory and autonomic neuropathy type IIC. Identifiers: Orphanet 970, MedGen C3280168, MONDO:0013634, OMIM 614213.
Hereditary spastic paraplegia 30. Identifiers: Orphanet 101010, MedGen C5235139, MONDO:0012476.
Intellectual disability, autosomal dominant 9 (NESCAVS). Also called: NESCAV SYNDROME; KIF1A-Related Neurodevelopmental Disorder. Identifiers: Orphanet 662367, MedGen C5393830, MONDO:0013656, OMIM 614255.

Submission:

Labcorp Genetics (formerly Invitae), Labcorp
Classification: Uncertain significance for Hereditary spastic paraplegia 30; Neuropathy, hereditary sensory, type 2C; Intellectual disability, autosomal dominant 9. Last evaluated: 2023-12-04. Review status: criteria provided, single submitter. Criteria: Invitae Variant Classification Sherloc (09022015). Collection method: clinical testing. Allele origin: germline.
Comment: This sequence change replaces glutamine, which is neutral and polar, with glutamic acid, which is acidic and polar, at codon 792 of the KIF1A protein (p.Gln792Glu). This variant is not present in population databases (gnomAD no frequency). This variant has not been reported in the literature in individuals affected with KIF1A-related conditions. Advanced modeling of protein sequence and biophysical properties (such as structural, functional, and spatial information, amino acid conservation, physicochemical variation, residue mobility, and thermodynamic stability) has been performed at Invitae for this missense variant, however the output from this modeling did not meet the statistical confidence thresholds required to predict the impact of this variant on KIF1A protein function. In summary, the available evidence is currently insufficient to determine the role of this variant in disease. Therefore, it has been classified as a Variant of Uncertain Significance.

NM_001244008.2(KIF1A):c.2401C>G (p.Gln801Glu)

Gene: KIF1A (kinesin family member 1A; minus strand). Cytogenetic location: 2q37.3.
Variant type: single nucleotide variant.
Coding change: c.2401C>G on transcript NM_001244008.2 (MANE Select); coding-DNA position 2401, C replaced by G.
Protein change: p.Gln801Glu; replaces glutamine 801 with glutamic acid.
Molecular consequence: missense variant.
Genome position (GRCh38, 1-based): chr2:240,760,708, G>C on the plus strand (C>G on the coding strand, the complement: KIF1A is on the minus strand). VCF-style: chr2-240760708-G-C. GRCh37 (hg19) VCF-style: chr2-241700125-G-C.
Other names: c.2401C>G, p.Gln801Glu (NM_001320705.2, NM_001330289.2, NM_001379638.1); c.2476C>G, p.Gln826Glu (NM_001330290.2, NM_001379631.1, NM_001379634.1 and 2 more transcripts); c.2374C>G, p.Gln792Glu (NM_001379632.1, NM_001379633.1, NM_001379636.1 and 11 more transcripts); c.2449C>G, p.Gln817Glu (NM_001379637.1, NM_001379648.1); short protein forms Q801E, Q817E, Q826E, Q792E.
Identifiers: ClinVar variation 2936579 (VCV002936579.3), dbSNP rs2125889915, ClinGen allele CA351324614.